The following is an entry in ClinVar:

NM_004370.6(COL12A1):c.8891G>T (p.Arg2964Leu)

Gene: COL12A1 (collagen type XII alpha 1 chain; minus strand). Cytogenetic location: 6q13.
Variant type: single nucleotide variant.
Coding change: c.8891G>T on transcript NM_004370.6 (MANE Select); coding-DNA position 8891, G replaced by T.
Protein change: p.Arg2964Leu; replaces arginine 2964 with leucine.
Molecular consequence: missense variant.
Genome position (GRCh38, 1-based): chr6:75,090,160, C>A on the plus strand (G>T on the coding strand, the complement: COL12A1 is on the minus strand). VCF-style: chr6-75090160-C-A. GRCh37 (hg19) VCF-style: chr6-75799876-C-A.
Other names: c.5399G>T, p.Arg1800Leu (NM_080645.3); short protein forms R2964L, R1800L.
Identifiers: ClinVar variation 958278 (VCV000958278.11), dbSNP rs369768310, ClinGen allele CA364734636.

ClinVar aggregate classification (germline): Uncertain significance. Review status: criteria provided, multiple submitters, no conflicts (2 of 4 stars). 2 submissions from 2 submitters: Uncertain significance (2). Last evaluated 2025-09-25.

Conditions:
Ullrich congenital muscular dystrophy 2 (UCMD2). Identifiers: Orphanet 75840, MedGen C4225314, MONDO:0014654, OMIM 616470.
Bethlem myopathy 2 (BTHLM2). Identifiers: Orphanet 536516, Orphanet 610, MedGen C4225313, MONDO:0034022, OMIM 616471.
Inborn genetic diseases. Identifiers: MedGen C0950123, MeSH D030342.

Submissions (2):

Ambry Genetics
Classification: Uncertain significance for Inborn genetic diseases. Last evaluated: 2025-09-25. Review status: criteria provided, single submitter. Criteria: Ambry Variant Classification Scheme 2023. Collection method: clinical testing. Allele origin: germline.

Labcorp Genetics (formerly Invitae), Labcorp
Classification: Uncertain significance for Bethlem myopathy 2; Ullrich congenital muscular dystrophy 2. Last evaluated: 2019-08-22. Review status: criteria provided, single submitter. Criteria: Invitae Variant Classification Sherloc (09022015). Collection method: clinical testing. Allele origin: germline.
Comment: This variant has not been reported in the literature in individuals with COL12A1-related conditions. In summary, the available evidence is currently insufficient to determine the role of this variant in disease. Therefore, it has been classified as a Variant of Uncertain Significance. Algorithms developed to predict the effect of missense changes on protein structure and function are either unavailable or do not agree on the potential impact of this missense change (SIFT: "Deleterious"; PolyPhen-2: "Benign"; Align-GVGD: "Class C0"). This variant is not present in population databases (ExAC no frequency). This sequence change replaces arginine with leucine at codon 2964 of the COL12A1 protein (p.Arg2964Leu). The arginine residue is highly conserved and there is a moderate physicochemical difference between arginine and leucine.